The following is an entry in ClinVar:

NM_006767.4(LZTR1):c.1729C>T (p.Gln577Ter)

Gene: LZTR1 (leucine zipper like post translational regulator 1; plus strand). Cytogenetic location: 22q11.21.
Variant type: single nucleotide variant.
Coding change: c.1729C>T on transcript NM_006767.4 (MANE Select); coding-DNA position 1729, C replaced by T.
Protein change: p.Gln577Ter; replaces glutamine 577 with a stop codon.
Molecular consequence: nonsense.
Genome position (GRCh38, 1-based): chr22:20,994,671, C>T. VCF-style: chr22-20994671-C-T. GRCh37 (hg19) VCF-style: chr22-21348960-C-T.
Other names: short protein forms Q577*.
Identifiers: ClinVar variation 1073780 (VCV001073780.18), dbSNP rs1390034681, ClinGen allele CA410778113.

ClinVar aggregate classification (germline): Pathogenic/Likely pathogenic. Review status: criteria provided, multiple submitters, no conflicts (2 of 4 stars). 4 submissions from 4 submitters: Pathogenic (2); Likely pathogenic (2). Last evaluated 2026-10-13.

Conditions:
Cardiovascular phenotype. Identifiers: MedGen CN230736.
Hereditary cancer-predisposing syndrome. Also called: Neoplastic Syndromes, Hereditary; Hereditary neoplastic syndrome; Tumor predisposition; Hereditary Cancer Syndrome. Identifiers: Orphanet 140162, MedGen C0027672, MeSH D009386, MONDO:0015356.
Noonan syndrome 2 (NS2). Identifiers: Orphanet 648, MedGen C1854469, MONDO:0011531, OMIM 605275.
Noonan syndrome 10 (NS10). Identifiers: Orphanet 648, MedGen C4225280, MONDO:0014693, OMIM 616564.
LZTR1-related schwannomatosis. Also called: Schwannomatosis-2, susceptibility to; Schwannomatosis 2. Identifiers: Orphanet 93921, MedGen C3810283, MONDO:0014299, OMIM 615670.

Allele frequency attached by ClinVar (database versions not stated): gnomAD exomes below 0.00001; TOPMed below 0.00001; gnomAD 0.00001.
gnomAD v4.1: 3 of 1,612,894 alleles (0.00019%); highest among the groups gnomAD compares: African/African-American, 0.0013%; no homozygotes.

Submissions (4):

GeneDx
Classification: Likely pathogenic. Last evaluated: 2026-10-13. Review status: criteria provided, single submitter. Criteria: GeneDx Variant Classification Process June 2021. Collection method: clinical testing. Allele origin: germline.
Comment: Reported in an individual from a cohort of childhood survivors of medulloblastoma; additional clinical information was not provided (PMID: 39184053); Not observed at significant frequency in large population cohorts (gnomAD); Nonsense variant predicted to result in protein truncation or nonsense mediated decay in a gene for which loss of function is a known mechanism of disease; This variant is associated with the following publications: (PMID: 30442766, 30481304, 24362817, 30859559, 29469822, 25795793, 25480913, 25335493, 30442762, 39184053, 30368668)

Labcorp Genetics (formerly Invitae), Labcorp
Classification: Pathogenic. Last evaluated: 2026-01-21. Review status: criteria provided, single submitter. Criteria: Invitae Variant Classification Sherloc (09022015). Collection method: clinical testing. Allele origin: germline.
Comment: This sequence change creates a premature translational stop signal (p.Gln577*) in the LZTR1 gene. It is expected to result in an absent or disrupted protein product. Loss-of-function variants in LZTR1 are known to be pathogenic (PMID: 24362817, 25335493, 25480913, 25795793, 29469822, 30368668, 30442762, 30442766, 30481304, 30859559). The frequency data for this variant in the population databases is considered unreliable, as metrics indicate poor data quality at this position in the gnomAD database. This variant has not been reported in the literature in individuals affected with LZTR1-related conditions. ClinVar contains an entry for this variant (Variation ID: 1073780). For these reasons, this variant has been classified as Pathogenic.

Ambry Genetics
Classification: Pathogenic for Cardiovascular phenotype; Hereditary cancer-predisposing syndrome. Last evaluated: 2025-12-08. Review status: criteria provided, single submitter. Criteria: Ambry Variant Classification Scheme 2023. Collection method: clinical testing. Allele origin: germline.
Comment: The p.Q577* pathogenic mutation (also known as c.1729C>T), located in coding exon 15 of the LZTR1 gene, results from a C to T substitution at nucleotide position 1729. This changes the amino acid from a glutamine to a stop codon within coding exon 15. This alteration is expected to result in loss of function by premature protein truncation or nonsense-mediated mRNA decay. Loss-of-function variants in LZTR1 are related to an increased risk for schwannomas and autosomal recessive Noonan syndrome; however, such associations with autosomal dominant Noonan syndrome have not been observed (Piotrowski A et al. Nat Genet. 2014 Feb;46:182-7; Yamamoto GL et al. J Med Genet. 2015 Jun;52:413-21; Johnston JJ et al. Genet Med. 2018 10;20:1175-1185). Based on the supporting evidence, this variant is pathogenic for an increased risk of LZTR1-related schwannomatosis (SWN) and would be expected to cause autosomal recessive Noonan syndrome when present along with a second pathogenic or likely pathogenic variant on the other allele; however, the association of this alteration with autosomal dominant Noonan syndrome is unlikely.

Juno Genomics, Hangzhou Juno Genomics, Inc
Classification: Likely pathogenic for LZTR1-related schwannomatosis; Noonan syndrome 10; Noonan syndrome 2. Review status: criteria provided, single submitter. Criteria: ACMG Guidelines, 2015. Collection method: clinical testing. Allele origin: germline.
Comment: Null variant in a gene where loss of function (LOF) is a known mechanism of disease.;Absent from controls (or at extremely low frequency if recessive) in Genome Aggregation Database.

Literature cited by the submitters: PubMed 24362817 (cited by Labcorp Genetics (formerly Invitae), Labcorp); PubMed 25335493 (cited by Labcorp Genetics (formerly Invitae), Labcorp); PubMed 25480913 (cited by Labcorp Genetics (formerly Invitae), Labcorp); PubMed 25795793 (cited by Labcorp Genetics (formerly Invitae), Labcorp); PubMed 29469822 (cited by Labcorp Genetics (formerly Invitae), Labcorp); PubMed 30368668 (cited by Labcorp Genetics (formerly Invitae), Labcorp); PubMed 30442762 (cited by Labcorp Genetics (formerly Invitae), Labcorp); PubMed 30442766 (cited by Labcorp Genetics (formerly Invitae), Labcorp); PubMed 30481304 (cited by Labcorp Genetics (formerly Invitae), Labcorp); PubMed 30859559 (cited by Labcorp Genetics (formerly Invitae), Labcorp).